The following is an entry in ClinVar:

ClinVar aggregate classification (germline): Benign/Likely benign. Review status: criteria provided, multiple submitters, no conflicts (2 of 4 stars). 4 submissions from 4 submitters: Benign (1); Likely benign (3). Last evaluated 2025-09-08.

Allele frequency attached by ClinVar (database versions not stated): 1000 Genomes Project 30x 0.00250; 1000 Genomes Project 0.00300; ExAC 0.00327; gnomAD exomes 0.00333 and 0.00491; gnomAD 0.00368 and 0.00374; ESP Exome Variant Server 0.00400; TOPMed 0.00404.
gnomAD v4.1: 7,639 of 1,606,080 alleles (0.48%); highest among the groups gnomAD compares: Non-Finnish European, 0.57%; 24 homozygotes.

Submissions (4):

Labcorp Genetics (formerly Invitae), Labcorp
Classification: Likely benign. Last evaluated: 2025-09-08. Review status: criteria provided, single submitter. Criteria: Invitae Variant Classification Sherloc (09022015). Collection method: clinical testing. Allele origin: germline.

CeGaT Center for Human Genetics Tuebingen
Classification: Likely benign. Last evaluated: 2023-02-01. Review status: criteria provided, single submitter. Criteria: CeGaT Center For Human Genetics Tuebingen Variant Classification Criteria Version 2. Collection method: clinical testing. Allele origin: germline. Affected: yes. Observed: 1 variant allele.
Comment: RNLS: BS2

GeneDx
Classification: Benign. Last evaluated: 2020-12-10. Review status: criteria provided, single submitter. Criteria: GeneDx Variant Classification Process June 2021. Collection method: clinical testing. Allele origin: germline. Affected: yes.

Breakthrough Genomics
Classification: Likely benign. Review status: criteria provided, single submitter. Criteria: ACMG Guidelines, 2015. Collection method: not provided. Allele origin: germline. Inheritance: Unknown mechanism. Affected: yes.

NM_001031709.3(RNLS):c.332T>C (p.Ile111Thr)

Gene: RNLS (renalase, FAD dependent amine oxidase; minus strand). Cytogenetic location: 10q23.31.
Variant type: single nucleotide variant.
Coding change: c.332T>C on transcript NM_001031709.3 (MANE Select); coding-DNA position 332, T replaced by C.
Protein change: p.Ile111Thr; replaces isoleucine 111 with threonine.
Molecular consequence: missense variant.
Genome position (GRCh38, 1-based): chr10:88,581,602, A>G on the plus strand (T>C on the coding strand, the complement: RNLS is on the minus strand). VCF-style: chr10-88581602-A-G. GRCh37 (hg19) VCF-style: chr10-90341359-A-G.
Other names: c.332T>C, p.Ile111Thr (NM_018363.4); short protein forms I111T.
Identifiers: ClinVar variation 773517 (VCV000773517.35), dbSNP rs140158928, ClinGen allele CA5590524.